The following is an entry in ClinVar:

ClinVar aggregate classification (germline): Uncertain significance (1 of 4 stars; one submission).

Submission:

Labcorp Genetics (formerly Invitae), Labcorp
Classification: Uncertain significance. Last evaluated: 2024-05-16. Review status: criteria provided, single submitter. Criteria: Invitae Variant Classification Sherloc (09022015). Collection method: clinical testing. Allele origin: germline.
Comment: This sequence change replaces arginine, which is basic and polar, with leucine, which is neutral and non-polar, at codon 689 of the COMP protein (p.Arg689Leu). This variant is not present in population databases (gnomAD no frequency). This variant has not been reported in the literature in individuals affected with COMP-related conditions. Advanced modeling of protein sequence and biophysical properties (such as structural, functional, and spatial information, amino acid conservation, physicochemical variation, residue mobility, and thermodynamic stability) has been performed at Invitae for this missense variant, however the output from this modeling did not meet the statistical confidence thresholds required to predict the impact of this variant on COMP protein function. In summary, the available evidence is currently insufficient to determine the role of this variant in disease. Therefore, it has been classified as a Variant of Uncertain Significance.

NM_000095.3(COMP):c.2066G>T (p.Arg689Leu)

Gene: COMP (cartilage oligomeric matrix protein; minus strand). Cytogenetic location: 19p13.11.
Variant type: single nucleotide variant.
Coding change: c.2066G>T on transcript NM_000095.3 (MANE Select); coding-DNA position 2066, G replaced by T.
Protein change: p.Arg689Leu; replaces arginine 689 with leucine.
Molecular consequence: missense variant.
Genome position (GRCh38, 1-based): chr19:18,784,212, C>A on the plus strand (G>T on the coding strand, the complement: COMP is on the minus strand). VCF-style: chr19-18784212-C-A. GRCh37 (hg19) VCF-style: chr19-18895022-C-A.
Other names: short protein forms R689L.
Identifiers: ClinVar variation 3688632 (VCV003688632.2).
Genomic context (GRCh38, chr19:18,784,212, plus strand): 5'-GTCCCCAGCCCAGCCCACCACAGAGGGTGGAGTCCCCACCTGATGTAGCCCACTTGGGGC[C>A]GGTGCTGCAGGAACCAACGATAGGACTTCTTGTCCTTCCAACCCACGTTTCGCGGGTCCT-3'
Protein context (NP_000086.2, residues 679-699): KKSYRWFLQH[Arg689Leu]PQVGYIRVRF